The following is an entry in ClinVar:

ClinVar aggregate classification (germline): Uncertain significance. Review status: criteria provided, multiple submitters, no conflicts (2 of 4 stars). 2 submissions from 2 submitters: Uncertain significance (2). Last evaluated 2025-08-05.

Allele frequency attached by ClinVar (database versions not stated): gnomAD exomes below 0.00001.
gnomAD v4.1: 1 of 1,613,900 alleles (0.000062%); highest among the groups gnomAD compares: Admixed American, 0.0017%; no homozygotes.

Submissions (2):

GeneDx
Classification: Uncertain significance. Last evaluated: 2025-08-05. Review status: criteria provided, single submitter. Criteria: GeneDx Variant Classification Process June 2021. Collection method: clinical testing. Allele origin: germline.
Comment: Not observed at significant frequency in large population cohorts (gnomAD); In silico analysis suggests that this missense variant does not alter protein structure/function; Has not been previously published as pathogenic or benign to our knowledge

Labcorp Genetics (formerly Invitae), Labcorp
Classification: Uncertain significance. Last evaluated: 2022-02-20. Review status: criteria provided, single submitter. Criteria: Invitae Variant Classification Sherloc (09022015). Collection method: clinical testing. Allele origin: germline.
Comment: This sequence change replaces alanine, which is neutral and non-polar, with valine, which is neutral and non-polar, at codon 290 of the SETBP1 protein (p.Ala290Val). This variant is not present in population databases (gnomAD no frequency). This variant has not been reported in the literature in individuals affected with SETBP1-related conditions. Algorithms developed to predict the effect of missense changes on protein structure and function output the following: SIFT: "Tolerated"; PolyPhen-2: "Benign"; Align-GVGD: "Class C0". The valine amino acid residue is found in multiple mammalian species, which suggests that this missense change does not adversely affect protein function. In summary, the available evidence is currently insufficient to determine the role of this variant in disease. Therefore, it has been classified as a Variant of Uncertain Significance.

NM_015559.3(SETBP1):c.869C>T (p.Ala290Val)

Gene: SETBP1 (SET binding protein 1; plus strand). Cytogenetic location: 18q12.3.
Variant type: single nucleotide variant.
Coding change: c.869C>T on transcript NM_015559.3 (MANE Select); coding-DNA position 869, C replaced by T.
Protein change: p.Ala290Val; replaces alanine 290 with valine.
Molecular consequence: missense variant.
Genome position (GRCh38, 1-based): chr18:44,950,209, C>T. VCF-style: chr18-44950209-C-T. GRCh37 (hg19) VCF-style: chr18-42530174-C-T.
Other names: c.869C>T, p.Ala290Val (NM_001379141.1, NM_001379142.1, NM_001410862.1); c.869C>T (NM_015559.2); short protein forms A290V.
Identifiers: ClinVar variation 1946333 (VCV001946333.7), dbSNP rs1304868687, ClinGen allele CA402317012.
Genomic context (GRCh38, chr18:44,950,209, plus strand): 5'-CAGGGAACACGTGGAGTCAGTTGTCTAACAATAACAAAGATCTGCTCTTGGGAGGTGTGG[C>T]TCCATCCCCAAGCAGCCACAGCTCACCAGCCCCACCCAGCAGCTCTGCTGAGTGCAACGG-3'
Protein context (NP_056374.2, residues 280-300): NNKDLLLGGV[Ala290Val]PSPSSHSSPA